The following is an entry in ClinVar:

ClinVar aggregate classification (germline): Conflicting classifications of pathogenicity. Review status: criteria provided, conflicting classifications (1 of 4 stars). 15 submissions from 15 submitters: Pathogenic (8); Likely pathogenic (6); Uncertain significance (1). Last evaluated 2025-10-28.

Conditions:
Autosomal recessive polycystic kidney disease (ARPKD). Also called: AR polycystic kidney disease. Identifiers: Orphanet 731, Orphanet 8378, MedGen C0085548, MeSH D017044, MONDO:0009889.
PKHD1-related disorder. Also called: PKHD1-related condition.
Inborn genetic diseases. Identifiers: MedGen C0950123, MeSH D030342.
Polycystic kidney disease 4 (PKD4). Also called: POLYCYSTIC KIDNEY DISEASE 4 WITH OR WITHOUT POLYCYSTIC LIVER DISEASE; POLYCYSTIC KIDNEY AND HEPATIC DISEASE 1; POLYCYSTIC KIDNEY DISEASE, INFANTILE, TYPE I; Autosomal Recessive Polycystic Kidney Disease – PKHD1; PKD3. Identifiers: MedGen C4540575, MONDO:0033004, OMIM 263200.

Allele frequency attached by ClinVar (database versions not stated): ExAC 0.00001; TOPMed 0.00001; ESP Exome Variant Server 0.00008.

Submissions 1 to 11 of 15:

Labcorp Genetics (formerly Invitae), Labcorp
Classification: Pathogenic for Autosomal recessive polycystic kidney disease. Last evaluated: 2025-10-28. Review status: criteria provided, single submitter. Criteria: Invitae Variant Classification Sherloc (09022015). Collection method: clinical testing. Allele origin: germline.
Comment: This sequence change replaces arginine, which is basic and polar, with tryptophan, which is neutral and slightly polar, at codon 92 of the PKHD1 protein (p.Arg92Trp). This variant is present in population databases (rs370277502, gnomAD 0.007%). This missense change has been observed in individual(s) with polycystic kidney disease (PMID: 19914852, 25153916, 32384486, 32939031, 33123899). In at least one individual the data is consistent with being in trans (on the opposite chromosome) from a pathogenic variant. ClinVar contains an entry for this variant (Variation ID: 286684). Invitae Evidence Modeling of protein sequence and biophysical properties (such as structural, functional, and spatial information, amino acid conservation, physicochemical variation, residue mobility, and thermodynamic stability) has been performed for this missense variant. However, the output from this modeling did not meet the statistical confidence thresholds required to predict the impact of this variant on PKHD1 protein function. For these reasons, this variant has been classified as Pathogenic.

Natera, Inc.
Classification: Pathogenic for Autosomal recessive polycystic kidney disease. Last evaluated: 2025-09-26. Review status: criteria provided, single submitter. Criteria: Natera Variant Classification Schema (03/2026). Collection method: clinical testing. Allele origin: germline.
Comment: The c.274C>T variant in PKHD1 is a missense variant predicted to cause substitution of arginine to tryptophan at amino acid 92. This variant is rare in the general population with a frequency below the threshold expected for the associated phenotype(s). This variant has been observed in one or more individuals affected with the associated recessive disease, as either homozygous or compound heterozygous with a second variant (PMID: 32040628, 32384486, 32939031, 25153916, 19914852). Computational prediction algorithms indicate this variant is likely to affect gene or protein function. Given the available evidence, this variant is classified as Pathogenic.

Revvity Omics, Revvity
Classification: Pathogenic for Polycystic kidney disease 4. Last evaluated: 2025-06-02. Review status: criteria provided, single submitter. Criteria: ACMG Guidelines, 2015. Collection method: clinical testing. Allele origin: germline.

Ambry Genetics
Classification: Pathogenic for Inborn genetic diseases. Last evaluated: 2025-05-15. Review status: criteria provided, single submitter. Criteria: Ambry Variant Classification Scheme 2023. Collection method: clinical testing. Allele origin: germline.
Comment: The c.274C>T (p.R92W) alteration is located in exon 4 (coding exon 3) of the PKHD1 gene. This alteration results from a C to T substitution at nucleotide position 274, causing the arginine (R) at amino acid position 92 to be replaced by a tryptophan (W). Based on data from gnomAD, the T allele has an overall frequency of 0.001% (3/251230) total alleles studied. The highest observed frequency was 0.006% (1/16256) of African alleles. This variant has been identified in conjunction with other PKHD1 variant(s) in individual(s) with features consistent with PKHD1-related polycystic kidney disease; in at least one instance, the variants were identified in trans (Jayasinghe, 2021; Ishiko, 2021; Jung, 2020; Wicher, 2020; Schueler, 2016; Xu, 2014; Gunay-Aygun, 2010). This amino acid position is not well conserved in available vertebrate species. The in silico prediction for this alteration is inconclusive. Based on the available evidence, this alteration is classified as pathogenic.

Neuberg Centre For Genomic Medicine, NCGM
Classification: Likely pathogenic for Polycystic kidney disease 4. Last evaluated: 2024-02-01. Review status: criteria provided, single submitter. Criteria: ACMG Guidelines, 2015. Collection method: clinical testing. Allele origin: germline. Inheritance: Autosomal recessive inheritance. Affected: yes.
Comment: The above variant has been reported in individuals affected with PKHD1 related disorder (Jung J, et al., 2020; Xu Y, et al., 2014). For these reasons, this variant has been classified as Likely Pathogenic

Women's Health and Genetics/Laboratory Corporation of America, LabCorp
Classification: Pathogenic for Autosomal recessive polycystic kidney disease. Last evaluated: 2023-12-14. Review status: criteria provided, single submitter. Criteria: LabCorp Variant Classification Summary - May 2015. Collection method: clinical testing. Allele origin: germline.
Comment: Variant summary: PKHD1 c.274C>T (p.Arg92Trp) results in a non-conservative amino acid change in the encoded protein sequence. Three of five in-silico tools predict a damaging effect of the variant on protein function. The variant allele was found at a frequency of 1.2e-05 in 251230 control chromosomes (gnomAD). c.274C>T has been reported in the literature in the compound heterozygous state in multiple individuals affected with Polycystic Kidney And Hepatic Disease (e.g. Gunay-Aygun_2010, Xu_2014, Byun_2015/Jung_2020, Wicher_2020, Jayasinghe_2021, Ishiko_2022). These data indicate that the variant is very likely to be associated with disease. To our knowledge, no experimental evidence demonstrating an impact on protein function has been reported. The following publications have been ascertained in the context of this evaluation (PMID: 19914852, 34536170, 32939031, 32384486, 33282801, 25153916). Eight submitters have cited clinical-significance assessments for this variant to ClinVar after 2014. Seven submitters classified the variant as pathogenic/likely pathogenic and one classified it as uncertain significance. Based on the evidence outlined above, the variant was classified as pathogenic.

PreventionGenetics, part of Exact Sciences
Classification: Pathogenic for PKHD1-related condition. Last evaluated: 2023-08-03. Review status: criteria provided, single submitter. Criteria: ACMG Guidelines, 2015. Collection method: clinical testing. Allele origin: germline.
Comment: The PKHD1 c.274C>T variant is predicted to result in the amino acid substitution p.Arg92Trp. This variant alongside a pathogenic truncating PKHD1 variant has been reported in multiple individuals with autosomal recessive polycystic kidney disease (ARPKD) (Gunay-Aygun et al. 2010. PubMed ID: 19914852; Table S3, Jayasinghe et al. 2020. PubMed ID: 32939031; Jung et al. 2020. PubMed ID: 32384486). This variant has also been reported with another suspected pathogenic PKHD1 variant in a Chinese family with autosomal recessive polycystic kidney disease (ARPKD) (Xu et al. 2014. PubMed ID: 25153916). Of note, a different substitution at the same codon (p.Arg92Gly) has been reported in a patient with ARPKD (Bergmann et al. 2005. PubMed ID: 15698423). This variant is reported in 0.0062% of alleles in individuals of African descent in gnomAD. This variant is interpreted as pathogenic.

3billion
Classification: Likely pathogenic for Polycystic kidney disease 4. Last evaluated: 2022-05-22. Review status: criteria provided, single submitter. Criteria: ACMG Guidelines, 2015. Collection method: clinical testing. Allele origin: germline. Affected: yes. Observed: 1 heterozygote.
Comment: The variant is observed at an extremely low frequency in the gnomAD v2.1.1 dataset (total allele frequency: 0.001%). Protein truncation variants are a common disease-causing mechanism. In silico tools do not predict the variant to alter splicing and produce an abnormal transcript (SpliceAI: 0.01). Same nucleotide change resulting in same amino acid change has been previously reported as pathogenic/likely pathogenic with strong evidence (ClinVar ID: VCV000286684). A different missense change at the same codon (p.Arg92Gly) has been reported to be associated with PKHD1 related disorder (PMID: 15698423). Therefore, this variant is classified as likely pathogenic according to the recommendation of ACMG/AMP guideline.

Blueprint Genetics
Classification: Pathogenic for PKHD1-related disorders. Last evaluated: 2022-05-12. Review status: criteria provided, single submitter. Criteria: ACMG Guidelines, 2015. Collection method: clinical testing. Allele origin: germline. Affected: yes. Observed: 2 variant alleles.

GeneDx
Classification: Likely pathogenic. Last evaluated: 2022-03-14. Review status: criteria provided, single submitter. Criteria: GeneDx Variant Classification Process June 2021. Collection method: clinical testing. Allele origin: germline. Affected: yes.
Comment: In silico analysis supports that this missense variant does not alter protein structure/function; Not observed at significant frequency in large population cohorts (gnomAD); This variant is associated with the following publications: (PMID: Byun_2015_article, 30275481, 32939031, 19914852, 32384486, 25153916, 33282801)

Fulgent Genetics
Classification: Likely pathogenic for Polycystic kidney disease 4. Last evaluated: 2021-06-30. Review status: criteria provided, single submitter. Criteria: ACMG Guidelines, 2015. Collection method: clinical testing. Allele origin: unknown.
Comment: This variant has been detected in individual(s) who were sent for testing of Renasight - kidney gene panel.

NM_138694.4(PKHD1):c.274C>T (p.Arg92Trp)

Gene: PKHD1 (PKHD1 ciliary IPT domain containing fibrocystin/polyductin; minus strand). Cytogenetic location: 6p12.2.
Variant type: single nucleotide variant.
Coding change: c.274C>T on transcript NM_138694.4 (MANE Select); coding-DNA position 274, C replaced by T.
Protein change: p.Arg92Trp; replaces arginine 92 with tryptophan.
Molecular consequence: missense variant.
Genome position (GRCh38, 1-based): chr6:52,082,399, G>A on the plus strand (C>T on the coding strand, the complement: PKHD1 is on the minus strand). VCF-style: chr6-52082399-G-A. GRCh37 (hg19) VCF-style: chr6-51947197-G-A.
Other names: c.274C>T (NM_170724.2); c.274C>T, p.Arg92Trp (NM_170724.3); short protein forms R92W.
Identifiers: ClinVar variation 286684 (VCV000286684.29), dbSNP rs370277502, ClinGen allele CA3853985.